The following is an entry in ClinVar:

ClinVar aggregate classification (germline): Uncertain significance (1 of 4 stars; one submission).

Allele frequency attached by ClinVar (database versions not stated): ESP Exome Variant Server 0.00008; ExAC 0.00001; gnomAD exomes 0.00004; TOPMed 0.00002.
gnomAD v4.1: 63 of 1,614,122 alleles (0.0039%); highest among the groups gnomAD compares: Non-Finnish European, 0.0053%; no homozygotes.

Submission:

GeneDx
Classification: Uncertain significance. Last evaluated: 2025-02-06. Review status: criteria provided, single submitter. Criteria: GeneDx Variant Classification Process June 2021. Collection method: clinical testing. Allele origin: germline.
Comment: Identified in an individual with a slow/moderately progressing ataxia with spasticity (Tripathy et al., 2017); Published functional studies demonstrate that this variant leads to altered subcellular localization and reduced protein activity (Tripathy et al., 2017); In silico analysis supports that this missense variant has a deleterious effect on protein structure/function; This variant is associated with the following publications: (PMID: 28934387, 30670339)

NM_198994.3(TGM6):c.1322A>G (p.Tyr441Cys)

Gene: TGM6 (transglutaminase 6; plus strand). Cytogenetic location: 20p13.
Variant type: single nucleotide variant.
Coding change: c.1322A>G on transcript NM_198994.3 (MANE Select); coding-DNA position 1322, A replaced by G.
Protein change: p.Tyr441Cys; replaces tyrosine 441 with cysteine.
Molecular consequence: missense variant.
Genome position (GRCh38, 1-based): chr20:2,403,809, A>G. VCF-style: chr20-2403809-A-G. GRCh37 (hg19) VCF-style: chr20-2384455-A-G.
Other names: c.1322A>G, p.Tyr441Cys (NM_001254734.2); short protein forms Y441C.
Identifiers: ClinVar variation 1706112 (VCV001706112.3), dbSNP rs138950659, ClinGen allele CA9732044.